The following is an entry in ClinVar:

ClinVar aggregate classification (germline): Uncertain significance (1 of 4 stars; one submission).

Conditions:
Chédiak-Higashi syndrome (CHS). Also called: Chediak-Higashi Syndrome. Identifiers: Orphanet 167, MedGen C0007965, MONDO:0008963, OMIM 214500.

Allele frequency attached by ClinVar (database versions not stated): gnomAD 0.00001.
gnomAD v4.1: 6 of 1,576,898 alleles (0.00038%); highest among the groups gnomAD compares: South Asian, 0.0066%; no homozygotes.

Submission:

Labcorp Genetics (formerly Invitae), Labcorp
Classification: Uncertain significance for Chédiak-Higashi syndrome. Last evaluated: 2022-08-22. Review status: criteria provided, single submitter. Criteria: Invitae Variant Classification Sherloc (09022015). Collection method: clinical testing. Allele origin: germline.
Comment: This sequence change replaces threonine, which is neutral and polar, with isoleucine, which is neutral and non-polar, at codon 67 of the LYST protein (p.Thr67Ile). This variant is not present in population databases (gnomAD no frequency). This variant has not been reported in the literature in individuals affected with LYST-related conditions. Algorithms developed to predict the effect of missense changes on protein structure and function are either unavailable or do not agree on the potential impact of this missense change (SIFT: "Deleterious"; PolyPhen-2: "Probably Damaging"; Align-GVGD: "Class C0"). In summary, the available evidence is currently insufficient to determine the role of this variant in disease. Therefore, it has been classified as a Variant of Uncertain Significance.

NM_000081.4(LYST):c.200C>T (p.Thr67Ile)

Gene: LYST (lysosomal trafficking regulator; minus strand). Cytogenetic location: 1q42.3.
Variant type: single nucleotide variant.
Coding change: c.200C>T on transcript NM_000081.4 (MANE Select); coding-DNA position 200, C replaced by T.
Protein change: p.Thr67Ile; replaces threonine 67 with isoleucine.
Molecular consequence: missense variant.
Genome position (GRCh38, 1-based): chr1:235,813,054, G>A on the plus strand (C>T on the coding strand, the complement: LYST is on the minus strand). VCF-style: chr1-235813054-G-A. GRCh37 (hg19) VCF-style: chr1-235976354-G-A.
Other names: c.200C>T, p.Thr67Ile (NM_001301365.1); short protein forms T67I.
Identifiers: ClinVar variation 2043643 (VCV002043643.1), dbSNP rs1673632150, ClinGen allele CA344966120.